The following is an entry in ClinVar:

ClinVar aggregate classification (germline): Uncertain significance (1 of 4 stars; one submission).

Allele frequency attached by ClinVar (database versions not stated): ESP Exome Variant Server 0.00008; gnomAD exomes 0.00004; ExAC 0.00004.
gnomAD v4.1: 24 of 1,613,826 alleles (0.0015%); highest among the groups gnomAD compares: East Asian, 0.011%; no homozygotes.

Submission:

Labcorp Genetics (formerly Invitae), Labcorp
Classification: Uncertain significance. Last evaluated: 2024-09-30. Review status: criteria provided, single submitter. Criteria: Invitae Variant Classification Sherloc (09022015). Collection method: clinical testing. Allele origin: germline.
Comment: This sequence change replaces arginine, which is basic and polar, with histidine, which is basic and polar, at codon 1494 of the TTC37 protein (p.Arg1494His). This variant is present in population databases (rs369648889, gnomAD 0.01%). This variant has not been reported in the literature in individuals affected with TTC37-related conditions. ClinVar contains an entry for this variant (Variation ID: 1484189). An algorithm developed to predict the effect of missense changes on protein structure and function (PolyPhen-2) suggests that this variant¬†is likely to be tolerated. In summary, the available evidence is currently insufficient to determine the role of this variant in disease. Therefore, it has been classified as a Variant of Uncertain Significance.

NM_014639.4(SKIC3):c.4481G>A (p.Arg1494His)

Gene: SKIC3 (SKI3 subunit of superkiller complex; minus strand). Cytogenetic location: 5q15.
Variant type: single nucleotide variant.
Coding change: c.4481G>A on transcript NM_014639.4 (MANE Select); coding-DNA position 4481, G replaced by A.
Protein change: p.Arg1494His; replaces arginine 1494 with histidine.
Molecular consequence: missense variant.
Genome position (GRCh38, 1-based): chr5:95,469,795, C>T on the plus strand (G>A on the coding strand, the complement: SKIC3 is on the minus strand). VCF-style: chr5-95469795-C-T. GRCh37 (hg19) VCF-style: chr5-94805499-C-T.
Other names: short protein forms R1494H.
Identifiers: ClinVar variation 1484189 (VCV001484189.6), dbSNP rs369648889, ClinGen allele CA3346384.